The following is an entry in ClinVar:

NM_020041.3(SLC2A9):c.1241T>C (p.Leu414Pro)

Gene: SLC2A9 (solute carrier family 2 member 9; minus strand). Cytogenetic location: 4p16.1.
Variant type: single nucleotide variant.
Coding change: c.1241T>C on transcript NM_020041.3 (MANE Select); coding-DNA position 1241, T replaced by C.
Protein change: p.Leu414Pro; replaces leucine 414 with proline.
Molecular consequence: missense variant.
Genome position (GRCh38, 1-based): chr4:9,887,617, A>G on the plus strand (T>C on the coding strand, the complement: SLC2A9 is on the minus strand). VCF-style: chr4-9887617-A-G. GRCh37 (hg19) VCF-style: chr4-9889241-A-G.
Other names: c.1154T>C, p.Leu385Pro (NM_001001290.2); short protein forms L385P, L414P.
Identifiers: ClinVar variation 4890755 (VCV004890755.1).

ClinVar aggregate classification (germline): Uncertain significance (1 of 4 stars; one submission).

Conditions:
Hypouricemia, renal, 2. Also called: HYPOURICEMIA, RENAL, 2, AUTOSOMAL DOMINANT; HYPOURICEMIA, RENAL, 2, AUTOSOMAL RECESSIVE. Identifiers: MedGen C2677549, MONDO:0012793, OMIM 612076.

gnomAD v4.1: 29 of 1,562,972 alleles (0.0019%); highest among the groups gnomAD compares: South Asian, 0.033%; no homozygotes.

Submission:

Institute of Human Genetics, University of Leipzig Medical Center
Classification: Uncertain significance for Hypouricemia, renal, 2. Last evaluated: 2026-08-26. Review status: criteria provided, single submitter. Criteria: ACMG Guidelines, 2015. Collection method: clinical testing. Allele origin: unknown. Affected: yes.
Comment: Criteria applied: PM2,PP3,PP4